The following is an entry in ClinVar:

ClinVar aggregate classification (germline): Uncertain significance (1 of 4 stars; one submission).

Submission:

Labcorp Genetics (formerly Invitae), Labcorp
Classification: Uncertain significance. Last evaluated: 2023-01-23. Review status: criteria provided, single submitter. Criteria: Invitae Variant Classification Sherloc (09022015). Collection method: clinical testing. Allele origin: germline.
Comment: This sequence change results in a frameshift in the TUBGCP6 gene (p.Val1627Serfs*204). While this is not anticipated to result in nonsense mediated decay, it is expected to disrupt the last 193 amino acid(s) of the TUBGCP6 protein and extend the protein by 10 additional amino acid residues. This variant is not present in population databases (gnomAD no frequency). This variant has not been reported in the literature in individuals affected with TUBGCP6-related conditions. ClinVar contains an entry for this variant (Variation ID: 1409650). Experimental studies and prediction algorithms are not available or were not evaluated, and the functional significance of this variant is currently unknown. In summary, the available evidence is currently insufficient to determine the role of this variant in disease. Therefore, it has been classified as a Variant of Uncertain Significance.

NM_020461.4(TUBGCP6):c.4878_4879insA (p.Val1627fs)

Gene: TUBGCP6 (tubulin gamma complex component 6; minus strand). Cytogenetic location: 22q13.33.
Variant type: Insertion.
Coding change: c.4878_4879insA on transcript NM_020461.4 (MANE Select); coding-DNA positions 4878 to 4879, A inserted.
Protein change: p.Val1627fs; shifts the reading frame from valine 1627.
Molecular consequence: frameshift variant.
Genome position: GRCh38 VCF-style: chr22-50218563-C-CT. GRCh37 (hg19) VCF-style: chr22-50656992-C-CT.
Other names: short protein forms V1627fs.
Identifiers: ClinVar variation 1409650 (VCV001409650.6), dbSNP rs2147172336, ClinGen allele CA2573158248.